The following is an entry in ClinVar:

NM_002878.4(RAD51D):c.263+1596T>C

Genes: RAD51L3-RFFL (RAD51L3-RFFL readthrough; minus strand), RAD51D (RAD51 paralog D; minus strand). Cytogenetic location: 17q12.
Variant type: single nucleotide variant.
Coding change: c.263+1596T>C on transcript NM_002878.4 (MANE Select); 1596 bases into the intron after coding-DNA position 263, T replaced by C.
Molecular consequence: intron variant. On other transcripts: missense variant (1).
Genome position (GRCh38, 1-based): chr17:35,116,905, A>G on the plus strand (T>C on the coding strand, the complement: RAD51D is on the minus strand). VCF-style: chr17-35116905-A-G. GRCh37 (hg19) VCF-style: chr17-33443924-A-G.
Other names: c.277T>C (NM_001142571.1); c.277T>C, p.Ser93Pro (NM_001142571.2); c.144+2206T>C (NM_133629.3); short protein forms S93P.
Identifiers: ClinVar variation 372057 (VCV000372057.4), dbSNP rs1057517631, ClinGen allele CA16042159.

ClinVar aggregate classification (germline): Uncertain significance. Review status: criteria provided, single submitter (1 of 4 stars). 2 submissions from 2 submitters: Uncertain significance (1). 1 of the submissions does not count toward it. Last evaluated 2026-07-06.

Conditions:
Breast-ovarian cancer, familial, susceptibility to, 4. Identifiers: Orphanet 145, MedGen C3280345, MONDO:0013669, OMIM 614291.
Hereditary cancer-predisposing syndrome. Also called: Neoplastic Syndromes, Hereditary; Hereditary Cancer Syndrome; Tumor predisposition; Hereditary neoplastic syndrome. Identifiers: Orphanet 140162, MedGen C0027672, MeSH D009386, MONDO:0015356.

Allele frequency attached by ClinVar (database versions not stated): gnomAD 0.00001; gnomAD exomes below 0.00001; TOPMed 0.00001.
gnomAD v4.1: 3 of 1,603,306 alleles (0.00019%); highest among the groups gnomAD compares: African/African-American, 0.0027%; no homozygotes.

Submissions (2):

Ambry Genetics
Classification: Uncertain significance for Hereditary cancer-predisposing syndrome. Last evaluated: 2026-07-06. Review status: criteria provided, single submitter. Criteria: Ambry Variant Classification Scheme 2023. Collection method: clinical testing. Allele origin: germline.
Comment: The p.S93P variant (also known as c.277T>C), located in coding exon 3 of the RAD51D gene, results from a T to C substitution at nucleotide position 277. The serine at codon 93 is replaced by proline, an amino acid with similar properties. This amino acid position is conserved. In addition, this alteration is predicted to be tolerated by in silico analysis. Based on the available evidence, the clinical significance of this variant remains unclear.

Counsyl
Classification: Likely benign for Breast-ovarian cancer, familial, susceptibility to, 4. Last evaluated: 2016-11-03. Review status: no assertion criteria provided. Collection method: clinical testing. Allele origin: unknown. Not counted in ClinVar's aggregate classification.